The following is an entry in ClinVar:

NM_001267550.2(TTN):c.106186G>A (p.Asp35396Asn)

Genes: TTN-AS1 (TTN antisense RNA 1; plus strand), TTN (titin; minus strand), LOC129935182 (ATAC-STARR-seq lymphoblastoid active region 16807; plus strand). Cytogenetic location: 2q31.2.
Variant type: single nucleotide variant.
Coding change: c.106186G>A on transcript NM_001267550.2 (MANE Select); coding-DNA position 106186, G replaced by A.
Protein change: p.Asp35396Asn; replaces aspartic acid 35396 with asparagine.
Molecular consequence: missense variant.
Genome position (GRCh38, 1-based): chr2:178,530,429, C>T on the plus strand (G>A on the coding strand, the complement: TTN is on the minus strand). VCF-style: chr2-178530429-C-T. GRCh37 (hg19) VCF-style: chr2-179395156-C-T.
Other names: c.101263G>A, p.Asp33755Asn (NM_001256850.1); c.78991G>A, p.Asp26331Asn (NM_003319.4); c.98482G>A, p.Asp32828Asn (NM_133378.4); c.79366G>A, p.Asp26456Asn (NM_133432.3); c.79567G>A, p.Asp26523Asn (NM_133437.4); short protein forms D26523N, D33755N, D35396N, D26331N, D26456N, D32828N.
Identifiers: ClinVar variation 2946548 (VCV002946548.3), dbSNP rs1262697784, ClinGen allele CA349406718.

ClinVar aggregate classification (germline): Uncertain significance (1 of 4 stars; one submission).

Conditions:
Dilated cardiomyopathy 1G (CMD1G). Identifiers: Orphanet 154, MedGen C1858763, MONDO:0011400, OMIM 604145.
Autosomal recessive limb-girdle muscular dystrophy type 2J (LGMDR10). Also called: Limb-girdle muscular dystrophy, type 2J; MUSCULAR DYSTROPHY, LIMB-GIRDLE, AUTOSOMAL RECESSIVE 10. Identifiers: Orphanet 140922, MedGen C1837342, MONDO:0012127, OMIM 608807.

Allele frequency attached by ClinVar (database versions not stated): gnomAD exomes below 0.00001.
gnomAD v4.1: 1 of 1,613,930 alleles (0.000062%); highest among the groups gnomAD compares: Middle Eastern, 0.016%; no homozygotes.

Submission:

Labcorp Genetics (formerly Invitae), Labcorp
Classification: Uncertain significance for Dilated cardiomyopathy 1G; Autosomal recessive limb-girdle muscular dystrophy type 2J. Last evaluated: 2023-04-11. Review status: criteria provided, single submitter. Criteria: Invitae Variant Classification Sherloc (09022015). Collection method: clinical testing. Allele origin: germline.
Comment: This variant has not been reported in the literature in individuals affected with TTN-related conditions. This sequence change replaces aspartic acid, which is acidic and polar, with asparagine, which is neutral and polar, at codon 35396 of the TTN protein (p.Asp35396Asn). This variant is not present in population databases (gnomAD no frequency). Experimental studies and prediction algorithms are not available or were not evaluated, and the functional significance of this variant is currently unknown. In summary, the available evidence is currently insufficient to determine the role of this variant in disease. Therefore, it has been classified as a Variant of Uncertain Significance. This variant is located in the M band of TTN (PMID: 25589632). Variants in this region may be relevant for neuromuscular disorders, but have not been definitively shown to cause cardiomyopathy (PMID: 23975875).

Literature cited by the submitters: PubMed 25589632; PubMed 23975875.